The following is an entry in ClinVar:

NM_002755.4(MAP2K1):c.517-1G>T

Gene: MAP2K1 (mitogen-activated protein kinase kinase 1; plus strand). Cytogenetic location: 15q22.31.
Variant type: single nucleotide variant.
Coding change: c.517-1G>T on transcript NM_002755.4 (MANE Select); the canonical splice acceptor site of the intron before coding-DNA position 517, G replaced by T.
Molecular consequence: splice acceptor variant.
Genome position (GRCh38, 1-based): chr15:66,444,655, G>T. VCF-style: chr15-66444655-G-T. GRCh37 (hg19) VCF-style: chr15-66736993-G-T.
Other names: c.373-1G>T (NM_001411065.1).
Identifiers: ClinVar variation 2738672 (VCV002738672.4), dbSNP rs1891814748, ClinGen allele CA392932153.

ClinVar aggregate classification (germline): Uncertain significance (1 of 4 stars; one submission).

Conditions:
RASopathy. Also called: Noonan spectrum disorder; rasopathies. Identifiers: Orphanet 536391, MedGen C5555857, MONDO:0021060.

Submissions (2):

Labcorp Genetics (formerly Invitae), Labcorp
Classification: Uncertain significance for RASopathy. Last evaluated: 2023-06-27. Review status: criteria provided, single submitter. Criteria: Invitae Variant Classification Sherloc (09022015). Collection method: clinical testing. Allele origin: germline.
Comment: In summary, the available evidence is currently insufficient to determine the role of this variant in disease. Therefore, it has been classified as a Variant of Uncertain Significance. Algorithms developed to predict the effect of sequence changes on RNA splicing suggest that this variant may disrupt the consensus splice site. This variant has not been reported in the literature in individuals affected with MAP2K1-related conditions. This variant is not present in population databases (gnomAD no frequency). This sequence change affects an acceptor splice site in intron 4 of the MAP2K1 gene. It is expected to disrupt RNA splicing. Variants that disrupt the donor or acceptor splice site typically lead to a loss of protein function (PMID: 16199547), however the current clinical and genetic evidence is not sufficient to establish whether loss-of-function variants in MAP2K1 cause disease.

Dr. Peter K. Rogan Lab, Western University
No classification provided (evidence only). Condition: Papillary renal cell carcinoma type 1. Review status: no classification provided. Collection method: in vitro. Allele origin: not applicable. Functional consequence: retained intron. Not counted in ClinVar's aggregate classification.

Literature cited by the submitters: PubMed 16199547 (cited by Labcorp Genetics (formerly Invitae), Labcorp).